The following is an entry in ClinVar:

NM_000179.3(MSH6):c.3369A>C (p.Glu1123Asp)

Gene: MSH6 (mutS homolog 6; plus strand). Cytogenetic location: 2p16.3.
Variant type: single nucleotide variant.
Coding change: c.3369A>C on transcript NM_000179.3 (MANE Select); coding-DNA position 3369, A replaced by C.
Protein change: p.Glu1123Asp; replaces glutamic acid 1123 with aspartic acid.
Molecular consequence: missense variant.
Genome position (GRCh38, 1-based): chr2:47,803,616, A>C. VCF-style: chr2-47803616-A-C. GRCh37 (hg19) VCF-style: chr2-48030755-A-C.
Other names: c.3072A>C, p.Glu1024Asp (NM_001406827.1, NM_001406828.1, NM_001406830.1 and 10 more transcripts); c.2463A>C, p.Glu821Asp (NM_001406829.1, NM_001281493.2, NM_001281494.2 and 6 more transcripts); c.150A>C, p.Glu50Asp (NM_001406831.1); c.216A>C, p.Glu72Asp (NM_001406832.1); c.1314A>C, p.Glu438Asp (NM_001407362.1); c.2979A>C, p.Glu993Asp (NM_001281492.2); c.3465A>C, p.Glu1155Asp (NM_001406795.1, NM_001406802.1); c.3369A>C, p.Glu1123Asp (NM_001406796.1, NM_001406800.1, NM_001406808.1 and 1 more transcripts); and 7 more; short protein forms E1024D, E1125D, E601D, E948D, E1065D, E1123D, E835D, E993D.
Identifiers: ClinVar variation 1730684 (VCV001730684.2), dbSNP rs2104482802, ClinGen allele CA346758796.

ClinVar aggregate classification (germline): Uncertain significance (1 of 4 stars; one submission).

Conditions:
Hereditary cancer-predisposing syndrome. Also called: Neoplastic Syndromes, Hereditary; Tumor predisposition; Hereditary Cancer Syndrome; Hereditary neoplastic syndrome. Identifiers: Orphanet 140162, MedGen C0027672, MeSH D009386, MONDO:0015356.

Submission:

Ambry Genetics
Classification: Uncertain significance for Hereditary cancer-predisposing syndrome. Last evaluated: 2018-10-03. Review status: criteria provided, single submitter. Criteria: Ambry Variant Classification Scheme 2023. Collection method: clinical testing. Allele origin: germline.
Comment: The p.E1123D variant (also known as c.3369A>C), located in coding exon 5 of the MSH6 gene, results from an A to C substitution at nucleotide position 3369. The glutamic acid at codon 1123 is replaced by aspartic acid, an amino acid with highly similar properties. This amino acid position is not well conserved in available vertebrate species. In addition, this alteration is predicted to be tolerated by in silico analysis. In addition, the CoDP in silico tool predicts this alteration to have a minor impact on molecular function, with a score of 0.000 (Terui H et al. J. Biomed. Sci. 2013 Apr;20:25). Since supporting evidence is limited at this time, the clinical significance of this alteration remains unclear.